The following is an entry in ClinVar:

ClinVar aggregate classification (germline): Uncertain significance. Review status: criteria provided, multiple submitters, no conflicts (2 of 4 stars). 4 submissions from 4 submitters: Uncertain significance (4). Last evaluated 2025-05-29.

Conditions:
Tuberous sclerosis 2 (TSC2). Identifiers: Orphanet 805, MedGen C1860707, MONDO:0013199, OMIM 613254.
Hereditary cancer-predisposing syndrome. Also called: Hereditary Cancer Syndrome; Tumor predisposition; Hereditary neoplastic syndrome; Neoplastic Syndromes, Hereditary. Identifiers: Orphanet 140162, MedGen C0027672, MeSH D009386, MONDO:0015356.
Isolated focal cortical dysplasia type II (FCORD2). Also called: CORTICAL DYSPLASIA OF TAYLOR; Focal cortical dysplasia type II. Identifiers: Orphanet 268994, MedGen C1846385, MONDO:0011818, OMIM 607341, HP:0032051.
Tuberous sclerosis syndrome (TSC). Also called: Tuberous Sclerosis Complex; Tuberous sclerosis. Identifiers: Orphanet 805, MedGen C0041341, MONDO:0001734.

Submissions (4):

Ambry Genetics
Classification: Uncertain significance for Hereditary cancer-predisposing syndrome. Last evaluated: 2025-05-29. Review status: criteria provided, single submitter. Criteria: Ambry Variant Classification Scheme 2023. Collection method: clinical testing. Allele origin: germline.
Comment: The p.K880E variant (also known as c.2638A>G), located in coding exon 22 of the TSC2 gene, results from an A to G substitution at nucleotide position 2638. The lysine at codon 880 is replaced by glutamic acid, an amino acid with similar properties. This amino acid position is highly conserved in available vertebrate species. In addition, this alteration is predicted to be deleterious by in silico analysis. Based on the available evidence, the clinical significance of this variant remains unclear.

Labcorp Genetics (formerly Invitae), Labcorp
Classification: Uncertain significance for Tuberous sclerosis 2. Last evaluated: 2025-05-13. Review status: criteria provided, single submitter. Criteria: Invitae Variant Classification Sherloc (09022015). Collection method: clinical testing. Allele origin: germline.
Comment: This sequence change replaces lysine, which is basic and polar, with glutamic acid, which is acidic and polar, at codon 880 of the TSC2 protein (p.Lys880Glu). This variant is not present in population databases (gnomAD no frequency). This variant has not been reported in the literature in individuals affected with TSC2-related conditions. ClinVar contains an entry for this variant (Variation ID: 1050883). An algorithm developed to predict the effect of missense changes on protein structure and function (PolyPhen-2) suggests that this variant is likely to be disruptive. In summary, the available evidence is currently insufficient to determine the role of this variant in disease. Therefore, it has been classified as a Variant of Uncertain Significance.

All of Us Research Program, National Institutes of Health
Classification: Uncertain significance for Tuberous sclerosis syndrome. Last evaluated: 2023-06-26. Review status: criteria provided, single submitter. Criteria: ACMG Guidelines, 2015. Collection method: clinical testing. Allele origin: germline. Inheritance: Autosomal dominant inheritance. Observed: 1 variant allele, 1 heterozygote.
Comment: This study involves interpretation of variants in research participants for the purpose of population health screening. Participant phenotype was not available at the time of variant classification. Additional details can be found in publication PMID: 35346344, PMCID: PMC8962531

Baylor Genetics
Classification: Uncertain significance for Isolated focal cortical dysplasia type II. Last evaluated: 2023-06-02. Review status: criteria provided, single submitter. Criteria: ACMG Guidelines, 2015. Collection method: clinical testing. Allele origin: unknown.

NM_000548.5(TSC2):c.2638A>G (p.Lys880Glu)

Gene: TSC2 (TSC complex subunit 2; plus strand). Cytogenetic location: 16p13.3.
Variant type: single nucleotide variant.
Coding change: c.2638A>G on transcript NM_000548.5 (MANE Select); coding-DNA position 2638, A replaced by G.
Protein change: p.Lys880Glu; replaces lysine 880 with glutamic acid.
Molecular consequence: missense variant.
Genome position (GRCh38, 1-based): chr16:2,075,891, A>G. VCF-style: chr16-2075891-A-G. GRCh37 (hg19) VCF-style: chr16-2125892-A-G.
Other names: c.2038A>G, p.Lys680Glu (NM_001318831.2); c.2671A>G, p.Lys891Glu (NM_001318832.2); c.2638A>G, p.Lys880Glu (NM_001363528.2, NM_001370404.1, NM_001370405.1 and 3 more transcripts); c.2527A>G, p.Lys843Glu (NM_001318827.2); c.2491A>G, p.Lys831Glu (NM_001318829.2); short protein forms K680E, K831E, K843E, K880E, K891E.
Identifiers: ClinVar variation 1050883 (VCV001050883.14), dbSNP rs2151382293, ClinGen allele CA394278484.